The following is an entry in ClinVar:

ClinVar aggregate classification (germline): Uncertain significance (1 of 4 stars; one submission).

Submission:

Labcorp Genetics (formerly Invitae), Labcorp
Classification: Uncertain significance. Last evaluated: 2022-07-19. Review status: criteria provided, single submitter. Criteria: Invitae Variant Classification Sherloc (09022015). Collection method: clinical testing. Allele origin: germline.
Comment: This sequence change replaces glutamine, which is neutral and polar, with histidine, which is basic and polar, at codon 528 of the ARHGEF18 protein (p.Gln528His). This variant is not present in population databases (gnomAD no frequency). This variant has not been reported in the literature in individuals affected with ARHGEF18-related conditions. ClinVar contains an entry for this variant (Variation ID: 1040553). Algorithms developed to predict the effect of missense changes on protein structure and function are either unavailable or do not agree on the potential impact of this missense change (SIFT: "Deleterious"; PolyPhen-2: "Probably Damaging"; Align-GVGD: "Class C15"). In summary, the available evidence is currently insufficient to determine the role of this variant in disease. Therefore, it has been classified as a Variant of Uncertain Significance.

NM_001367823.1(ARHGEF18):c.2148A>T (p.Gln716His)

Gene: ARHGEF18 (Rho/Rac guanine nucleotide exchange factor 18; plus strand). Cytogenetic location: 19p13.2.
Variant type: single nucleotide variant.
Coding change: c.2148A>T on transcript NM_001367823.1 (MANE Select); coding-DNA position 2148, A replaced by T.
Protein change: p.Gln716His; replaces glutamine 716 with histidine.
Molecular consequence: missense variant.
Genome position (GRCh38, 1-based): chr19:7,456,370, A>T. VCF-style: chr19-7456370-A-T. GRCh37 (hg19) VCF-style: chr19-7521256-A-T.
Other names: c.1422A>T, p.Gln474His (NM_001130955.2); c.1110A>T, p.Gln370His (NM_001367824.1, NM_015318.4); short protein forms Q716H, Q370H, Q474H.
Identifiers: ClinVar variation 1040553 (VCV001040553.6), dbSNP rs1975828190, ClinGen allele CA403115749.
Genomic context (GRCh38, chr19:7,456,370, plus strand): 5'-CCATGCTGTTTTCCCAGATATCCTGGCTATCCTGCTGACCGACGTACTTTTGCTGCTACA[A>T]GAAAAAGATCAGAAATACGTCTTTGCTTCTGTGGTATGTATCCTGTCTCTTCAGACGAAG-3'
Protein context (NP_001354752.1, residues 706-726): ILLTDVLLLL[Gln716His]EKDQKYVFAS